The following is an entry in ClinVar:

NM_001378969.1(KCND3):c.1518+258G>A

Gene: KCND3 (potassium voltage-gated channel subfamily D member 3; minus strand). Cytogenetic location: 1p13.2.
Variant type: single nucleotide variant.
Coding change: c.1518+258G>A on transcript NM_001378969.1 (MANE Select); 258 bases into the intron after coding-DNA position 1518, G replaced by A.
Molecular consequence: intron variant.
Genome position (GRCh38, 1-based): chr1:111,778,178, C>T on the plus strand (G>A on the coding strand, the complement: KCND3 is on the minus strand). VCF-style: chr1-111778178-C-T. GRCh37 (hg19) VCF-style: chr1-112320800-C-T.
Other names: c.1462-905G>A (NM_001378970.1, NM_172198.3); c.1518+258G>A (NM_004980.5).
Identifiers: ClinVar variation 683551 (VCV000683551.1), dbSNP rs535317, ClinGen allele CA10813602.

ClinVar aggregate classification (germline): Benign (1 of 4 stars; one submission).

Allele frequency attached by ClinVar (database versions not stated): gnomAD 0.12683 and 0.12861; 1000 Genomes Project 30x 0.12836; TOPMed 0.12851; 1000 Genomes Project 0.13498.
gnomAD v4.1: 19,513 of 152,100 alleles (13%); highest among the groups gnomAD compares: Admixed American, 18%; 1,397 homozygotes.

Submission:

GeneDx
Classification: Benign. Last evaluated: 2018-06-14. Review status: criteria provided, single submitter. Criteria: GeneDx Variant Classification (06012015). Collection method: clinical testing. Allele origin: germline. Affected: yes.
Comment: This variant is considered likely benign or benign based on one or more of the following criteria: it is a conservative change, it occurs at a poorly conserved position in the protein, it is predicted to be benign by multiple in silico algorithms, and/or has population frequency not consistent with disease.